The following is an entry in ClinVar:

NM_003442.6(ZNF143):c.1640C>T (p.Thr547Met)

Gene: ZNF143 (zinc finger protein 143; plus strand). Cytogenetic location: 11p15.4.
Variant type: single nucleotide variant.
Coding change: c.1640C>T on transcript NM_003442.6 (MANE Select); coding-DNA position 1640, C replaced by T.
Protein change: p.Thr547Met; replaces threonine 547 with methionine.
Molecular consequence: missense variant.
Genome position (GRCh38, 1-based): chr11:9,516,316, C>T. VCF-style: chr11-9516316-C-T. GRCh37 (hg19) VCF-style: chr11-9537863-C-T.
Other names: c.1637C>T, p.Thr546Met (NM_001282656.2); c.1547C>T, p.Thr516Met (NM_001282657.2); short protein forms T546M, T547M, T516M.
Identifiers: ClinVar variation 2591555 (VCV002591555.6), dbSNP rs201163547, ClinGen allele CA5879692.

ClinVar aggregate classification (germline): Uncertain significance. Review status: criteria provided, multiple submitters, no conflicts (2 of 4 stars). 2 submissions from 2 submitters: Uncertain significance (2). Last evaluated 2025-11-24.

Allele frequency attached by ClinVar (database versions not stated): ExAC 0.00005; gnomAD 0.00009; TOPMed 0.00011; ESP Exome Variant Server 0.00023.
gnomAD v4.1: 225 of 1,613,900 alleles (0.014%); highest among the groups gnomAD compares: Non-Finnish European, 0.017%; no homozygotes.

Submissions (2):

Ambry Genetics
Classification: Uncertain significance. Last evaluated: 2025-11-24. Review status: criteria provided, single submitter. Criteria: Ambry Variant Classification Scheme 2023. Collection method: clinical testing. Allele origin: germline.

Labcorp Genetics (formerly Invitae), Labcorp
Classification: Uncertain significance. Last evaluated: 2023-08-02. Review status: criteria provided, single submitter. Criteria: Invitae Variant Classification Sherloc (09022015). Collection method: clinical testing. Allele origin: germline.
Comment: In summary, the available evidence is currently insufficient to determine the role of this variant in disease. Therefore, it has been classified as a Variant of Uncertain Significance. An algorithm developed to predict the effect of missense changes on protein structure and function (PolyPhen-2) suggests that this variant is likely to be tolerated. This variant has not been reported in the literature in individuals affected with ZNF143-related conditions. This variant is present in population databases (rs201163547, gnomAD 0.01%). This sequence change replaces threonine, which is neutral and polar, with methionine, which is neutral and non-polar, at codon 547 of the ZNF143 protein (p.Thr547Met).